The following is an entry in ClinVar:

NM_002047.4(GARS1):c.1227C>A (p.Phe409Leu)

Gene: GARS1 (glycyl-tRNA synthetase 1; plus strand). Cytogenetic location: 7p14.3.
Variant type: single nucleotide variant.
Coding change: c.1227C>A on transcript NM_002047.4 (MANE Select); coding-DNA position 1227, C replaced by A.
Protein change: p.Phe409Leu; replaces phenylalanine 409 with leucine.
Molecular consequence: missense variant.
Genome position (GRCh38, 1-based): chr7:30,617,146, C>A. VCF-style: chr7-30617146-C-A. GRCh37 (hg19) VCF-style: chr7-30656762-C-A.
Other names: c.1065C>A, p.Phe355Leu (NM_001316772.1); short protein forms F355L, F409L.
Identifiers: ClinVar variation 1680930 (VCV001680930.6), dbSNP rs1241301935, ClinGen allele CA367126947.

ClinVar aggregate classification (germline): Uncertain significance (1 of 4 stars; one submission).

Conditions:
Charcot-Marie-Tooth disease type 2. Also called: Charcot-Marie-Tooth type 2. Identifiers: Orphanet 64746, MedGen C0270914, MONDO:0018993.

Allele frequency attached by ClinVar (database versions not stated): gnomAD exomes below 0.00001; TOPMed 0.00001.
gnomAD v4.1: 2 of 1,614,100 alleles (0.00012%); highest among the groups gnomAD compares: East Asian, 0.0045%; no homozygotes.

Submission:

Labcorp Genetics (formerly Invitae), Labcorp
Classification: Uncertain significance for Charcot-Marie-Tooth disease type 2. Last evaluated: 2023-10-13. Review status: criteria provided, single submitter. Criteria: Invitae Variant Classification Sherloc (09022015). Collection method: clinical testing. Allele origin: germline.
Comment: This sequence change replaces phenylalanine, which is neutral and non-polar, with leucine, which is neutral and non-polar, at codon 409 of the GARS protein (p.Phe409Leu). This variant is not present in population databases (gnomAD no frequency). This variant has not been reported in the literature in individuals affected with GARS-related conditions. ClinVar contains an entry for this variant (Variation ID: 1680930). Advanced modeling of protein sequence and biophysical properties (such as structural, functional, and spatial information, amino acid conservation, physicochemical variation, residue mobility, and thermodynamic stability) has been performed at Invitae for this missense variant, however the output from this modeling did not meet the statistical confidence thresholds required to predict the impact of this variant on GARS protein function. Algorithms developed to predict the effect of sequence changes on RNA splicing suggest that this variant may create or strengthen a splice site. In summary, the available evidence is currently insufficient to determine the role of this variant in disease. Therefore, it has been classified as a Variant of Uncertain Significance.